The following is an entry in ClinVar:

ClinVar aggregate classification (germline): Uncertain significance. Review status: criteria provided, multiple submitters, no conflicts (2 of 4 stars). 2 submissions from 2 submitters: Uncertain significance (2). Last evaluated 2025-06-25.

Conditions:
Inborn genetic diseases. Identifiers: MedGen C0950123, MeSH D030342.

Allele frequency attached by ClinVar (database versions not stated): gnomAD 0.00001; gnomAD exomes 0.00001; TOPMed 0.00001; ExAC 0.00002; ESP Exome Variant Server 0.00008.

Submissions (2):

Ambry Genetics
Classification: Uncertain significance for Inborn genetic diseases. Last evaluated: 2025-06-25. Review status: criteria provided, single submitter. Criteria: Ambry Variant Classification Scheme 2023. Collection method: clinical testing. Allele origin: germline.

Labcorp Genetics (formerly Invitae), Labcorp
Classification: Uncertain significance. Last evaluated: 2020-11-21. Review status: criteria provided, single submitter. Criteria: Invitae Variant Classification Sherloc (09022015). Collection method: clinical testing. Allele origin: germline.
Comment: In summary, the available evidence is currently insufficient to determine the role of this variant in disease. Therefore, it has been classified as a Variant of Uncertain Significance. Algorithms developed to predict the effect of missense changes on protein structure and function (SIFT, PolyPhen-2, Align-GVGD) all suggest that this variant is likely to be tolerated, but these predictions have not been confirmed by published functional studies and their clinical significance is uncertain. This variant has not been reported in the literature in individuals with C1QC-related conditions. This variant is present in population databases (rs369576195, ExAC 0.01%). This sequence change replaces proline with serine at codon 71 of the C1QC protein (p.Pro71Ser). The proline residue is highly conserved and there is a moderate physicochemical difference between proline and serine.

NM_172369.5(C1QC):c.211C>T (p.Pro71Ser)

Gene: C1QC (complement C1q C chain; plus strand). Cytogenetic location: 1p36.12.
Variant type: single nucleotide variant.
Coding change: c.211C>T on transcript NM_172369.5 (MANE Select); coding-DNA position 211, C replaced by T.
Protein change: p.Pro71Ser; replaces proline 71 with serine.
Molecular consequence: missense variant. On other transcripts: 5 prime UTR variant (1).
Genome position (GRCh38, 1-based): chr1:22,647,256, C>T. VCF-style: chr1-22647256-C-T. GRCh37 (hg19) VCF-style: chr1-22973749-C-T.
Other names: c.211C>T (NM_172369.3); c.211C>T, p.Pro71Ser (NM_001114101.3, NM_001347619.2); c.-57C>T (NM_001347620.2); short protein forms P71S.
Identifiers: ClinVar variation 1487241 (VCV001487241.9), dbSNP rs369576195, ClinGen allele CA677929.
Genomic context (GRCh38, chr1:22,647,256, plus strand): 5'-ATCACTTTCTCTCTGCCTTCTCCATCTCCAGGAATCCCAGCCATTCCCGGGATCCGAGGA[C>T]CCAAAGGGCAGAAGGGAGAACCCGGCTTACCCGGCCATCCTGGGAAAAATGGCCCCATGG-3'
Protein context (NP_758957.2, residues 61-81): GIPAIPGIRG[Pro71Ser]KGQKGEPGLP